The following is an entry in ClinVar:

ClinVar aggregate classification (germline): Pathogenic (1 of 4 stars; one submission).

Conditions:
Cardiovascular phenotype. Identifiers: MedGen CN230736.

Submission:

Ambry Genetics
Classification: Pathogenic for Cardiovascular phenotype. Last evaluated: 2026-01-26. Review status: criteria provided, single submitter. Criteria: Ambry Variant Classification Scheme 2023. Collection method: clinical testing. Allele origin: germline.
Comment: The c.28delG pathogenic mutation, located in coding exon 1 of the FLNC gene, results from a deletion of one nucleotide at nucleotide position 28, causing a translational frameshift with a predicted alternate stop codon (p.A10Pfs*48). This variant is considered to be rare based on population cohorts in the Genome Aggregation Database (gnomAD). This alteration is expected to result in loss of function by premature protein truncation or nonsense-mediated mRNA decay. As such, this alteration is interpreted as a disease-causing mutation for autosomal dominant dilated cardiomyopathy; however, its clinical significance for autosomal dominant hypertrophic/restrictive cardiomyopathy and/or skeletal myopathy is uncertain.

NM_001458.5(FLNC):c.28del (p.Ala10fs)

Gene: FLNC (filamin C; plus strand). Cytogenetic location: 7q32.1.
Variant type: Deletion.
Coding change: c.28del on transcript NM_001458.5 (MANE Select); coding-DNA position 28, one base deleted (G; older notation c.28delG).
Protein change: p.Ala10fs; shifts the reading frame from alanine 10.
Molecular consequence: frameshift variant.
Genome position (GRCh38, 1-based): chr7:128,830,665, G deleted. VCF-style (leftmost placement, unchanged base first): chr7-128830664-CG-C. GRCh37 (hg19) VCF-style: chr7-128470718-CG-C.
Other names: c.28del, p.Ala10fs (NM_001127487.2); short protein forms A10fs.
Identifiers: ClinVar variation 4824280 (VCV004824280.1).
Genomic context (GRCh38, chr7:128,830,664, plus strand): 5'-CCTAGCCCCGGCCGCACCCCCAGCCCGCGCCAGCATGATGAACAACAGCGGCTACTCAGA[CG>C]CCGGCCTCGGCCTGGGCGATGAGACAGACGAGATGCCGTCCACGGAGAAGGACCTGGCGG-3'